The following is an entry in ClinVar:

ClinVar aggregate classification (germline): Uncertain significance (1 of 4 stars; one submission).

Conditions:
Spermatogenic failure 18. Identifiers: MedGen C4539783, MONDO:0054615, OMIM 617576.
Ciliary dyskinesia, primary, 37 (CILD37). Also called: CILIARY DYSKINESIA, PRIMARY, 37, WITH OR WITHOUT SITUS INVERSUS. Identifiers: MedGen C4539798, MONDO:0033204, OMIM 617577.

gnomAD v4.1: 2 of 1,613,512 alleles (0.00012%); highest among the groups gnomAD compares: Non-Finnish European, 0.00017%; no homozygotes.

Submission:

Labcorp Genetics (formerly Invitae), Labcorp
Classification: Uncertain significance for Ciliary dyskinesia, primary, 37; Spermatogenic failure 18. Last evaluated: 2022-11-01. Review status: criteria provided, single submitter. Criteria: Invitae Variant Classification Sherloc (09022015). Collection method: clinical testing. Allele origin: germline.
Comment: In summary, the available evidence is currently insufficient to determine the role of this variant in disease. Therefore, it has been classified as a Variant of Uncertain Significance. Advanced modeling of protein sequence and biophysical properties (such as structural, functional, and spatial information, amino acid conservation, physicochemical variation, residue mobility, and thermodynamic stability) has been performed at Invitae for this missense variant, however the output from this modeling did not meet the statistical confidence thresholds required to predict the impact of this variant on DNAH1 protein function. ClinVar contains an entry for this variant (Variation ID: 1507630). This variant has not been reported in the literature in individuals affected with DNAH1-related conditions. This variant is not present in population databases (gnomAD no frequency). This sequence change replaces arginine, which is basic and polar, with leucine, which is neutral and non-polar, at codon 2314 of the DNAH1 protein (p.Arg2314Leu).

NM_015512.5(DNAH1):c.6941G>T (p.Arg2314Leu)

Gene: DNAH1 (dynein axonemal heavy chain 1; plus strand). Cytogenetic location: 3p21.1.
Variant type: single nucleotide variant.
Coding change: c.6941G>T on transcript NM_015512.5 (MANE Select); coding-DNA position 6941, G replaced by T.
Protein change: p.Arg2314Leu; replaces arginine 2314 with leucine.
Molecular consequence: missense variant.
Genome position (GRCh38, 1-based): chr3:52,373,009, G>T. VCF-style: chr3-52373009-G-T. GRCh37 (hg19) VCF-style: chr3-52407025-G-T.
Other names: short protein forms R2314L.
Identifiers: ClinVar variation 1507630 (VCV001507630.6), dbSNP rs759815756, ClinGen allele CA353167743.